The following is an entry in ClinVar:

NM_001042492.3(NF1):c.5959_5960del (p.Gln1987fs)

Gene: NF1 (neurofibromin 1; plus strand). Cytogenetic location: 17q11.2.
Variant type: Deletion.
Coding change: c.5959_5960del on transcript NM_001042492.3 (MANE Select); coding-DNA positions 5959 to 5960, 2 bases deleted (CA; older notation c.5959_5960delCA).
Protein change: p.Gln1987fs; shifts the reading frame from glutamine 1987.
Molecular consequence: frameshift variant.
Genome position (GRCh38, 1-based): chr17:31,334,984-31,334,985, CA deleted; deleting any 2 consecutive bases within chr17:31,334,983-31,334,985 gives the same sequence; the c. name uses the placement nearest the transcript's 3' end. VCF-style (leftmost placement, unchanged base first): chr17-31334982-AAC-A. GRCh37 (hg19) VCF-style: chr17-29662000-AAC-A.
Other names: c.5896_5897delCA, p.Gln1966Aspfs (NM_000267.4); short protein forms Q1987fs, Q1966fs.
Identifiers: ClinVar variation 1993918 (VCV001993918.4), dbSNP rs2508737349, ClinGen allele CA2580093004.

ClinVar aggregate classification (germline): Pathogenic (1 of 4 stars; one submission).

Conditions:
Neurofibromatosis, type 1 (NF1). Also called: VON RECKLINGHAUSEN DISEASE; Peripheral type neurofibromatosis; Neurofibromatosis, type I; NEUROFIBROMATOSIS, TYPE I, SOMATIC. Identifiers: Orphanet 636, MedGen C0027831, MONDO:0018975, OMIM 162200. Disease mechanism: loss of function.

Submission:

Labcorp Genetics (formerly Invitae), Labcorp
Classification: Pathogenic for Neurofibromatosis, type 1. Last evaluated: 2022-05-13. Review status: criteria provided, single submitter. Criteria: Invitae Variant Classification Sherloc (09022015). Collection method: clinical testing. Allele origin: germline.
Comment: For these reasons, this variant has been classified as Pathogenic. This variant has not been reported in the literature in individuals affected with NF1-related conditions. This variant is not present in population databases (gnomAD no frequency). This sequence change creates a premature translational stop signal (p.Gln1966Aspfs*21) in the NF1 gene. It is expected to result in an absent or disrupted protein product. Loss-of-function variants in NF1 are known to be pathogenic (PMID: 10712197, 23913538).

Literature cited by the submitters: PubMed 10712197; PubMed 23913538.